The following is an entry in ClinVar:

ClinVar aggregate classification (germline): Uncertain significance (1 of 4 stars; one submission).

Conditions:
Bardet-Biedl syndrome (BBS). Identifiers: Orphanet 110, MedGen C0752166, MONDO:0015229.

Allele frequency attached by ClinVar (database versions not stated): gnomAD exomes below 0.00001.
gnomAD v4.1: 2 of 1,595,266 alleles (0.00013%); highest among the groups gnomAD compares: East Asian, 0.0045%; no homozygotes.

Submission:

Labcorp Genetics (formerly Invitae), Labcorp
Classification: Uncertain significance for Bardet-Biedl syndrome. Last evaluated: 2022-07-09. Review status: criteria provided, single submitter. Criteria: Invitae Variant Classification Sherloc (09022015). Collection method: clinical testing. Allele origin: germline.
Comment: In summary, the available evidence is currently insufficient to determine the role of this variant in disease. Therefore, it has been classified as a Variant of Uncertain Significance. Algorithms developed to predict the effect of missense changes on protein structure and function are either unavailable or do not agree on the potential impact of this missense change (SIFT: "Deleterious"; PolyPhen-2: "Probably Damaging"; Align-GVGD: "Class C0"). This variant has not been reported in the literature in individuals affected with TTC8-related conditions. This variant is not present in population databases (gnomAD no frequency). This sequence change replaces isoleucine, which is neutral and non-polar, with methionine, which is neutral and non-polar, at codon 291 of the TTC8 protein (p.Ile291Met).

NM_144596.4(TTC8):c.903C>G (p.Ile301Met)

Gene: TTC8 (tetratricopeptide repeat domain 8; plus strand). Cytogenetic location: 14q31.3.
Variant type: single nucleotide variant.
Coding change: c.903C>G on transcript NM_144596.4 (MANE Select); coding-DNA position 903, C replaced by G.
Protein change: p.Ile301Met; replaces isoleucine 301 with methionine.
Molecular consequence: missense variant. On other transcripts: non-coding transcript variant (1).
Genome position (GRCh38, 1-based): chr14:88,861,326, C>G. VCF-style: chr14-88861326-C-G. GRCh37 (hg19) VCF-style: chr14-89327670-C-G.
Other names: c.951C>G, p.Ile317Met (NM_001288781.1); c.309C>G, p.Ile103Met (NM_001288782.1); c.186C>G, p.Ile62Met (NM_001288783.1); c.873C>G, p.Ile291Met (NM_001366535.2, NM_198309.3); c.783C>G, p.Ile261Met (NM_001366536.2, NM_198310.3); short protein forms I103M, I291M, I62M, I261M, I301M, I317M.
Identifiers: ClinVar variation 2157761 (VCV002157761.4), dbSNP rs2141016259, ClinGen allele CA390547097.